The following is an entry in ClinVar:

ClinVar aggregate classification (germline): Uncertain significance (1 of 4 stars; one submission).

Submission:

Labcorp Genetics (formerly Invitae), Labcorp
Classification: Uncertain significance. Last evaluated: 2022-12-30. Review status: criteria provided, single submitter. Criteria: Invitae Variant Classification Sherloc (09022015). Collection method: clinical testing. Allele origin: germline.
Comment: In summary, the available evidence is currently insufficient to determine the role of this variant in disease. Therefore, it has been classified as a Variant of Uncertain Significance. Algorithms developed to predict the effect of sequence changes on RNA splicing suggest that this variant may create or strengthen a splice site. Algorithms developed to predict the effect of missense changes on protein structure and function (SIFT, PolyPhen-2, Align-GVGD) all suggest that this variant is likely to be tolerated. This variant has not been reported in the literature in individuals affected with PTPN23-related conditions. This variant is not present in population databases (gnomAD no frequency). This sequence change replaces arginine, which is basic and polar, with proline, which is neutral and non-polar, at codon 1070 of the PTPN23 protein (p.Arg1070Pro).

NM_015466.4(PTPN23):c.3209G>C (p.Arg1070Pro)

Gene: PTPN23 (protein tyrosine phosphatase non-receptor type 23; plus strand). Cytogenetic location: 3p21.31.
Variant type: single nucleotide variant.
Coding change: c.3209G>C on transcript NM_015466.4 (MANE Select); coding-DNA position 3209, G replaced by C.
Protein change: p.Arg1070Pro; replaces arginine 1070 with proline.
Molecular consequence: missense variant.
Genome position (GRCh38, 1-based): chr3:47,411,007, G>C. VCF-style: chr3-47411007-G-C. GRCh37 (hg19) VCF-style: chr3-47452497-G-C.
Other names: c.2831G>C, p.Arg944Pro (NM_001304482.2); short protein forms R944P, R1070P.
Identifiers: ClinVar variation 2825127 (VCV002825127.3), dbSNP rs762143288, ClinGen allele CA352561354.